The following is an entry in ClinVar:

NM_001253697.2(ERBIN):c.800A>G (p.Gln267Arg)

Gene: ERBIN (erbb2 interacting protein; plus strand). Cytogenetic location: 5q12.3.
Variant type: single nucleotide variant.
Coding change: c.800A>G on transcript NM_001253697.2 (MANE Select); coding-DNA position 800, A replaced by G.
Protein change: p.Gln267Arg; replaces glutamine 267 with arginine.
Molecular consequence: missense variant.
Genome position (GRCh38, 1-based): chr5:66,024,433, A>G. VCF-style: chr5-66024433-A-G. GRCh37 (hg19) VCF-style: chr5-65320261-A-G.
Other names: c.800A>G, p.Gln267Arg (NM_001006600.3, NM_001253698.2, NM_001253699.2 and 2 more transcripts); short protein forms Q267R.
Identifiers: ClinVar variation 4731142 (VCV004731142.1).
Genomic context (GRCh38, chr5:66,024,433, plus strand): 5'-AAGGAATTTCAACATGTGAAAACCTTCAAGACCTCCTATTATCAAGCAATTCACTTCAGC[A>G]GCTTCCTGAGACTATTGGTTTGTATTGCTTTCAAATTCATGTAATTTTTATTAAAATAAA-3'
Protein context (NP_001240626.1, residues 257-277): DLLLSSNSLQ[Gln267Arg]LPETIGSLKN

ClinVar aggregate classification (germline): Uncertain significance (1 of 4 stars; one submission).

gnomAD v4.1: 3 of 1,595,618 alleles (0.00019%); highest among the groups gnomAD compares: Middle Eastern, 0.017%; no homozygotes.

Submission:

Labcorp Genetics (formerly Invitae), Labcorp
Classification: Uncertain significance. Last evaluated: 2025-12-16. Review status: criteria provided, single submitter. Criteria: Invitae Variant Classification Sherloc (09022015). Collection method: clinical testing. Allele origin: germline.
Comment: This sequence change replaces glutamine, which is neutral and polar, with arginine, which is basic and polar, at codon 267 of the ERBIN protein (p.Gln267Arg). This variant is not present in population databases (gnomAD no frequency). This variant has not been reported in the literature in individuals affected with ERBIN-related conditions. An algorithm developed to predict the effect of missense changes on protein structure and function (PolyPhen-2) suggests that this variant is likely to be disruptive. In summary, the available evidence is currently insufficient to determine the role of this variant in disease. Therefore, it has been classified as a Variant of Uncertain Significance.